The following is an entry in ClinVar:

ClinVar aggregate classification (germline): Uncertain significance (1 of 4 stars; one submission).

Conditions:
Congenital heart disease (CHD). Identifiers: MedGen C0152021, MONDO:0005453. Disease mechanism: unknown.

Submission:

Embryology Laboratory, Victor Chang Cardiac Research Institute
Classification: Uncertain significance for Congenital heart disease. Review status: criteria provided, single submitter. Criteria: ACMG Guidelines, 2015. Collection method: research. Allele origin: de novo. Inheritance: Sporadic. Affected: yes. Observed: 1 variant allele.
Comment: The c.232G>T (p.V78F) variant occurs de novo within SMAD5 MH1 domain and is absent from the gnomAD database. The change from Valine to Phenylalanine is predicted to impact SMAD5 stability and DNA-binding. At time of submission, SMAD5 variants are not associated with congenital heart defects, therefore the clinical significance of this variant cannot be assessed.

NM_005903.7(SMAD5):c.232G>T (p.Val78Phe)

Genes: SMAD5 (SMAD family member 5; plus strand), LOC126807520 (MED14-independent group 3 enhancer GRCh37_chr5:135488895-135490094; plus strand). Cytogenetic location: 5q31.1.
Variant type: single nucleotide variant.
Coding change: c.232G>T on transcript NM_005903.7 (MANE Select); coding-DNA position 232, G replaced by T.
Protein change: p.Val78Phe; replaces valine 78 with phenylalanine.
Molecular consequence: missense variant.
Genome position (GRCh38, 1-based): chr5:136,153,992, G>T. VCF-style: chr5-136153992-G-T. GRCh37 (hg19) VCF-style: chr5-135489681-G-T.
Other names: c.232G>T, p.Val78Phe (NM_001001419.3, NM_001001420.3); short protein forms V78F.
Identifiers: ClinVar variation 3731295 (VCV003731295.1).